The following is an entry in ClinVar:

ClinVar aggregate classification (germline): Uncertain significance. Review status: criteria provided, multiple submitters, no conflicts (2 of 4 stars). 3 submissions from 3 submitters: Uncertain significance (2). 1 of the submissions does not count toward it. Last evaluated 2025-12-06.

Conditions:
MYOM1-related disorder.
Hypertrophic cardiomyopathy. Also called: HYPERTROPHIC MYOCARDIOPATHY. Identifiers: Orphanet 217569, MedGen C0007194, MeSH D002312, MONDO:0005045, HP:0001639.

Allele frequency attached by ClinVar (database versions not stated): ExAC 0.00005; gnomAD exomes 0.00006; ESP Exome Variant Server 0.00008; TOPMed 0.00009; gnomAD 0.00011.
gnomAD v4.1: 106 of 1,613,806 alleles (0.0066%); highest among the groups gnomAD compares: Middle Eastern, 0.033%; no homozygotes.

Submissions (3):

Labcorp Genetics (formerly Invitae), Labcorp
Classification: Uncertain significance for Hypertrophic cardiomyopathy. Last evaluated: 2025-12-06. Review status: criteria provided, single submitter. Criteria: Invitae Variant Classification Sherloc (09022015). Collection method: clinical testing. Allele origin: germline.
Comment: This sequence change replaces proline, which is neutral and non-polar, with leucine, which is neutral and non-polar, at codon 851 of the MYOM1 protein (p.Pro851Leu). This variant is present in population databases (rs369604378, gnomAD 0.009%). This variant has not been reported in the literature in individuals affected with MYOM1-related conditions. ClinVar contains an entry for this variant (Variation ID: 1040017). An algorithm developed to predict the effect of missense changes on protein structure and function (PolyPhen-2) suggests that this variant is likely to be tolerated. In summary, the available evidence is currently insufficient to determine the role of this variant in disease. Therefore, it has been classified as a Variant of Uncertain Significance.

Ambry Genetics
Classification: Uncertain significance. Last evaluated: 2023-11-13. Review status: criteria provided, single submitter. Criteria: Ambry Variant Classification Scheme 2023. Collection method: clinical testing. Allele origin: germline.

PreventionGenetics, part of Exact Sciences
Classification: Uncertain significance for MYOM1-related condition. Last evaluated: 2024-08-05. Review status: no assertion criteria provided. Collection method: clinical testing. Allele origin: germline. Not counted in ClinVar's aggregate classification.
Comment: The MYOM1 c.2552C>T variant is predicted to result in the amino acid substitution p.Pro851Leu. To our knowledge, this variant has not been reported in the literature. This variant is reported in 0.010% of alleles in individuals of European (Non-Finnish) descent in gnomAD. At this time, the clinical significance of this variant is uncertain due to the absence of conclusive functional and genetic evidence.

NM_003803.4(MYOM1):c.2552C>T (p.Pro851Leu)

Gene: MYOM1 (myomesin 1; minus strand). Cytogenetic location: 18p11.31.
Variant type: single nucleotide variant.
Coding change: c.2552C>T on transcript NM_003803.4 (MANE Select); coding-DNA position 2552, C replaced by T.
Protein change: p.Pro851Leu; replaces proline 851 with leucine.
Molecular consequence: missense variant. On other transcripts: intron variant (1).
Genome position (GRCh38, 1-based): chr18:3,129,474, G>A on the plus strand (C>T on the coding strand, the complement: MYOM1 is on the minus strand). VCF-style: chr18-3129474-G-A. GRCh37 (hg19) VCF-style: chr18-3129472-G-A.
Other names: c.2506+1901C>T (NM_019856.2); c.2552C>T (NM_003803.3); short protein forms P851L.
Identifiers: ClinVar variation 1040017 (VCV001040017.10), dbSNP rs369604378, ClinGen allele CA8874581.